The following is an entry in ClinVar:

ClinVar aggregate classification (germline): Uncertain significance (1 of 4 stars; one submission).

Allele frequency attached by ClinVar (database versions not stated): TOPMed 0.00001.
gnomAD v4.1: 3 of 1,614,228 alleles (0.00019%); highest among the groups gnomAD compares: Middle Eastern, 0.049%; no homozygotes.

Submission:

GeneDx
Classification: Uncertain significance. Last evaluated: 2017-08-30. Review status: criteria provided, single submitter. Criteria: GeneDx Variant Classification (06012015). Collection method: clinical testing. Allele origin: germline. Affected: yes.
Comment: The Q7R variant in the C12orf57 gene has not been reported previously as a pathogenic variant, nor as a benign variant, to our knowledge. The C12orf57 variant is not observed in large population cohorts (Lek et al., 2016; 1000 Genomes Consortium et al., 2015; Exome Variant Server). The C12orf57 variant is a semi-conservative amino acid substitution, which occurs at a position that is conserved across species. In silico analysis predicts this variant likely does not alter the protein structure/function. We interpret C12orf57 as a variant of uncertain significance.

NM_138425.4(C12orf57):c.20A>G (p.Gln7Arg)

Gene: C12orf57 (chromosome 12 open reading frame 57; plus strand). Cytogenetic location: 12p13.31.
Variant type: single nucleotide variant.
Coding change: c.20A>G on transcript NM_138425.4 (MANE Select); coding-DNA position 20, A replaced by G.
Protein change: p.Gln7Arg; replaces glutamine 7 with arginine.
Molecular consequence: missense variant. On other transcripts: 5 prime UTR variant (1), non-coding transcript variant (1), intron variant (1).
Genome position (GRCh38, 1-based): chr12:6,944,141, A>G. VCF-style: chr12-6944141-A-G. GRCh37 (hg19) VCF-style: chr12-7053304-A-G.
Other names: c.20A>G, p.Gln7Arg (NM_001301834.1, NM_001301837.2); c.-182A>G (NM_001301838.2); c.14-335A>G (NM_001301836.2); short protein forms Q7R.
Identifiers: ClinVar variation 451670 (VCV000451670.2), dbSNP rs782600196, ClinGen allele CA383744152.